The following is an entry in ClinVar:

ClinVar aggregate classification (germline): Uncertain significance (1 of 4 stars; one submission).

Allele frequency attached by ClinVar (database versions not stated): gnomAD exomes below 0.00001; ExAC 0.00001; gnomAD 0.00002 and 0.00003; TOPMed 0.00006.
gnomAD v4.1: 8 of 1,613,890 alleles (0.0005%); highest among the groups gnomAD compares: Admixed American, 0.0083%; no homozygotes.

Submission:

GeneDx
Classification: Uncertain significance. Last evaluated: 2019-01-29. Review status: criteria provided, single submitter. Criteria: GeneDx Variant Classification Process June 2021. Collection method: clinical testing. Allele origin: germline. Affected: yes.
Comment: Regulatory variant that occurs in the Kozak sequence upstream of the start codon in exon 1; Nucleotide substitution has no predicted effect on splicing and is not conserved across species; Has not been previously published as pathogenic or benign to our knowledge

NM_020806.5(GPHN):c.-1C>T

Gene: GPHN (gephyrin; plus strand). Cytogenetic location: 14q23.3.
Variant type: single nucleotide variant.
Coding change: c.-1C>T on transcript NM_020806.5 (MANE Select); 1 bases upstream of the start codon, C replaced by T.
Molecular consequence: 5 prime UTR variant.
Genome position (GRCh38, 1-based): chr14:66,508,527, C>T. VCF-style: chr14-66508527-C-T. GRCh37 (hg19) VCF-style: chr14-66975245-C-T.
Other names: c.-1C>T (NM_001024218.2, NM_001377514.1, NM_001377515.1 and 4 more transcripts).
Identifiers: ClinVar variation 1304488 (VCV001304488.2), dbSNP rs768676356, ClinGen allele CA7233587.
Genomic context (GRCh38, chr14:66,508,527, plus strand): 5'-CGCGCGCTCCGGGCTCCGGTTTCTCCCGGCTCCTGTCAGTGCGGTGACTGCGCTGGGAAA[C>T]ATGGCGACCGAGGGAATGATCCTTACTAACCACGACCATCAAATCCGTGTCGGAGTCCTT-3'